The following is an entry in ClinVar:

NM_147686.4(TRAF3IP2):c.88G>A (p.Glu30Lys)

Genes: TRAF3IP2 (TRAF3 interacting protein 2; minus strand), TRAF3IP2-AS1 (TRAF3IP2 antisense RNA 1; plus strand). Cytogenetic location: 6q21.
Variant type: single nucleotide variant.
Coding change: c.88G>A on transcript NM_147686.4 (MANE Select); coding-DNA position 88, G replaced by A.
Protein change: p.Glu30Lys; replaces glutamic acid 30 with lysine.
Molecular consequence: missense variant.
Genome position (GRCh38, 1-based): chr6:111,591,999, C>T on the plus strand (G>A on the coding strand, the complement: TRAF3IP2 is on the minus strand). VCF-style: chr6-111591999-C-T. GRCh37 (hg19) VCF-style: chr6-111913202-C-T.
Other names: c.88G>A, p.Glu30Lys (NM_001164281.3); c.115G>A, p.Glu39Lys (NM_147200.3); short protein forms E30K, E39K.
Identifiers: ClinVar variation 851398 (VCV000851398.8), dbSNP rs762683742, ClinGen allele CA3963383.

ClinVar aggregate classification (germline): Uncertain significance (1 of 4 stars; one submission).

Conditions:
Candidiasis, familial, 8 (CANDF8). Identifiers: Orphanet 1334, MedGen C3714992, MONDO:0014230, OMIM 615527.

Allele frequency attached by ClinVar (database versions not stated): gnomAD exomes below 0.00001; ExAC 0.00001.
gnomAD v4.1: 2 of 1,614,230 alleles (0.00012%); highest among the groups gnomAD compares: South Asian, 0.0011%; no homozygotes.

Submission:

Labcorp Genetics (formerly Invitae), Labcorp
Classification: Uncertain significance for Candidiasis, familial, 8. Last evaluated: 2025-04-07. Review status: criteria provided, single submitter. Criteria: Invitae Variant Classification Sherloc (09022015). Collection method: clinical testing. Allele origin: germline.
Comment: This sequence change replaces glutamic acid, which is acidic and polar, with lysine, which is basic and polar, at codon 30 of the TRAF3IP2 protein (p.Glu30Lys). This variant is present in population databases (rs762683742, gnomAD 0.003%). This variant has not been reported in the literature in individuals affected with TRAF3IP2-related conditions. ClinVar contains an entry for this variant (Variation ID: 851398). Invitae Evidence Modeling of protein sequence and biophysical properties (such as structural, functional, and spatial information, amino acid conservation, physicochemical variation, residue mobility, and thermodynamic stability) indicates that this missense variant is not expected to disrupt TRAF3IP2 protein function with a negative predictive value of 80%. In summary, the available evidence is currently insufficient to determine the role of this variant in disease. Therefore, it has been classified as a Variant of Uncertain Significance.